The following is an entry in ClinVar:

NM_003476.5(CSRP3):c.286C>T (p.Pro96Ser)

Gene: CSRP3 (cysteine and glycine rich protein 3; minus strand). Cytogenetic location: 11p15.1.
Variant type: single nucleotide variant.
Coding change: c.286C>T on transcript NM_003476.5 (MANE Select); coding-DNA position 286, C replaced by T.
Protein change: p.Pro96Ser; replaces proline 96 with serine.
Molecular consequence: missense variant. On other transcripts: synonymous variant (1).
Genome position (GRCh38, 1-based): chr11:19,186,344, G>A on the plus strand (C>T on the coding strand, the complement: CSRP3 is on the minus strand). VCF-style: chr11-19186344-G-A. GRCh37 (hg19) VCF-style: chr11-19207891-G-A.
Other names: c.286C>T (NM_003476.3); c.117C>T, p.Pro39= (NM_001369404.1); short protein forms P96S.
Identifiers: ClinVar variation 858415 (VCV000858415.3), dbSNP rs774530670, ClinGen allele CA5916581.

ClinVar aggregate classification (germline): Uncertain significance. Review status: criteria provided, multiple submitters, no conflicts (2 of 4 stars). 2 submissions from 2 submitters: Uncertain significance (2). Last evaluated 2025-10-21.

Conditions:
Hypertrophic cardiomyopathy 12. Identifiers: MedGen C2677491, MONDO:0012804, OMIM 612124.
Dilated cardiomyopathy 1M (CMD1M). Identifiers: Orphanet 154, MedGen C1843808, MONDO:0011840, OMIM 607482.
Cardiovascular phenotype. Identifiers: MedGen CN230736.

Allele frequency attached by ClinVar (database versions not stated): TOPMed 0.00001; gnomAD exomes 0.00001 and below 0.00001; ExAC 0.00002.

Submissions (2):

Labcorp Genetics (formerly Invitae), Labcorp
Classification: Uncertain significance for Hypertrophic cardiomyopathy 12; Dilated cardiomyopathy 1M. Last evaluated: 2025-10-21. Review status: criteria provided, single submitter. Criteria: Invitae Variant Classification Sherloc (09022015). Collection method: clinical testing. Allele origin: germline.
Comment: This sequence change replaces proline, which is neutral and non-polar, with serine, which is neutral and polar, at codon 96 of the CSRP3 protein (p.Pro96Ser). This variant is present in population databases (rs774530670, gnomAD 0.007%). This variant has not been reported in the literature in individuals affected with CSRP3-related conditions. ClinVar contains an entry for this variant (Variation ID: 858415). An algorithm developed to predict the effect of missense changes on protein structure and function (PolyPhen-2) suggests that this variant is likely to be tolerated. In summary, the available evidence is currently insufficient to determine the role of this variant in disease. Therefore, it has been classified as a Variant of Uncertain Significance.

Ambry Genetics
Classification: Uncertain significance for Cardiovascular phenotype. Last evaluated: 2023-11-26. Review status: criteria provided, single submitter. Criteria: Ambry Variant Classification Scheme 2023. Collection method: clinical testing. Allele origin: germline.
Comment: The p.P96S variant (also known as c.286C>T), located in coding exon 3 of the CSRP3 gene, results from a C to T substitution at nucleotide position 286. The proline at codon 96 is replaced by serine, an amino acid with similar properties. This amino acid position is conserved. In addition, this alteration is predicted to be tolerated by in silico analysis. Since supporting evidence is limited at this time, the clinical significance of this alteration remains unclear.